The following is an entry in ClinVar:

NM_000289.6(PFKM):c.1439A>G (p.Gln480Arg)

Gene: PFKM (phosphofructokinase, muscle; plus strand). Cytogenetic location: 12q13.11.
Variant type: single nucleotide variant.
Coding change: c.1439A>G on transcript NM_000289.6 (MANE Select); coding-DNA position 1439, A replaced by G.
Protein change: p.Gln480Arg; replaces glutamine 480 with arginine.
Molecular consequence: missense variant. On other transcripts: non-coding transcript variant (6).
Genome position (GRCh38, 1-based): chr12:48,141,766, A>G. VCF-style: chr12-48141766-A-G. GRCh37 (hg19) VCF-style: chr12-48535549-A-G.
Other names: c.1652A>G, p.Gln551Arg (NM_001166686.2, NM_001354737.1, NM_001354738.1 and 1 more transcripts); c.1439A>G, p.Gln480Arg (NM_001166687.2, NM_001166688.2, NM_001354742.2 and 2 more transcripts); c.1748A>G, p.Gln583Arg (NM_001354735.1, NM_001354736.1); c.1439A>G (NM_000289.5); c.1583A>G, p.Gln528Arg (NM_001354740.1); c.1463A>G, p.Gln488Arg (NM_001354741.2); c.1352A>G, p.Gln451Arg (NM_001354745.2); c.1313A>G, p.Gln438Arg (NM_001354746.2); and 2 more; short protein forms Q449R, Q451R, Q551R, Q430R, Q528R, Q438R, Q480R, Q488R.
Identifiers: ClinVar variation 2075432 (VCV002075432.2), dbSNP rs370415753, ClinGen allele CA6537358.
Genomic context (GRCh38, chr12:48,141,766, plus strand): 5'-CCCCTTCCCCTCCCCGCCATCACTGATCAACTAGGACTCTACCCAAGAAGAGCTTTGAAC[A>G]GATCAGTGCCAATATAACTAAGTTTAACATTCAGGGCCTTGTCATCATTGGGGGCTTTGA-3'
Protein context (NP_000280.1, residues 470-490): KRTLPKKSFE[Gln480Arg]ISANITKFNI

ClinVar aggregate classification (germline): Uncertain significance. Review status: criteria provided, multiple submitters, no conflicts (2 of 4 stars). 2 submissions from 2 submitters: Uncertain significance (2). Last evaluated 2024-12-04.

Conditions:
Inborn genetic diseases. Identifiers: MedGen C0950123, MeSH D030342.
Glycogen storage disease, type VII (GSD7). Also called: TARUI DISEASE; GSD VII; MUSCLE PHOSPHOFRUCTOKINASE DEFICIENCY; PFKM DEFICIENCY. Identifiers: Orphanet 371, MedGen C0017926, MONDO:0009295, OMIM 232800.

Allele frequency attached by ClinVar (database versions not stated): ExAC 0.00001; gnomAD 0.00003; TOPMed 0.00004; gnomAD exomes 0.00008; ESP Exome Variant Server 0.00015.
gnomAD v4.1: 123 of 1,613,348 alleles (0.0076%); highest among the groups gnomAD compares: Non-Finnish European, 0.0099%; 1 homozygote.

Submissions (2):

Ambry Genetics
Classification: Uncertain significance for Inborn genetic diseases. Last evaluated: 2024-12-04. Review status: criteria provided, single submitter. Criteria: Ambry Variant Classification Scheme 2023. Collection method: clinical testing. Allele origin: germline.

Labcorp Genetics (formerly Invitae), Labcorp
Classification: Uncertain significance for Glycogen storage disease, type VII. Last evaluated: 2022-10-05. Review status: criteria provided, single submitter. Criteria: Invitae Variant Classification Sherloc (09022015). Collection method: clinical testing. Allele origin: germline.
Comment: This sequence change replaces glutamine, which is neutral and polar, with arginine, which is basic and polar, at codon 480 of the PFKM protein (p.Gln480Arg). This variant is present in population databases (rs370415753, gnomAD 0.003%). This variant has not been reported in the literature in individuals affected with PFKM-related conditions. Advanced modeling of protein sequence and biophysical properties (such as structural, functional, and spatial information, amino acid conservation, physicochemical variation, residue mobility, and thermodynamic stability) performed at Invitae indicates that this missense variant is not expected to disrupt PFKM protein function. In summary, the available evidence is currently insufficient to determine the role of this variant in disease. Therefore, it has been classified as a Variant of Uncertain Significance.